The following is an entry in ClinVar:

NM_004991.4(MECOM):c.641G>A (p.Cys214Tyr)

Gene: MECOM (MDS1 and EVI1 complex locus; minus strand). Cytogenetic location: 3q26.2.
Variant type: single nucleotide variant.
Coding change: c.641G>A on transcript NM_004991.4 (MANE Select); coding-DNA position 641, G replaced by A.
Protein change: p.Cys214Tyr; replaces cysteine 214 with tyrosine.
Molecular consequence: missense variant.
Genome position (GRCh38, 1-based): chr3:169,128,033, C>T on the plus strand (G>A on the coding strand, the complement: MECOM is on the minus strand). VCF-style: chr3-169128033-C-T. GRCh37 (hg19) VCF-style: chr3-168845821-C-T.
Other names: c.77G>A, p.Cys26Tyr (NM_001105078.4, NM_001163999.2, NM_001164000.2 and 9 more transcripts); c.641G>A, p.Cys214Tyr (NM_001366466.2, NM_001366473.2); c.269G>A, p.Cys90Tyr (NM_001105077.4); short protein forms C214Y, C26Y, C90Y.
Identifiers: ClinVar variation 4105855 (VCV004105855.1).
Genomic context (GRCh38, chr3:169,128,033, plus strand): 5'-GTACTGCATGGAAACTTTTGGTGATCTGCTAGTTCAGCCTTAGATTCAAAGAGCTGGTCA[C>T]AGTCTTCGCAGCGATATTGCCGTTCTTCTGTGAAAACAATTCAGGTGTTAGGATTGGGTG-3'
Protein context (NP_004982.2, residues 204-224): HEERQYRCED[Cys214Tyr]DQLFESKAEL

ClinVar aggregate classification (germline): Uncertain significance (1 of 4 stars; one submission).

Conditions:
Inborn genetic diseases. Identifiers: MedGen C0950123, MeSH D030342.

Submission:

Ambry Genetics
Classification: Uncertain significance for Inborn genetic diseases. Last evaluated: 2025-08-19. Review status: criteria provided, single submitter. Criteria: Ambry Variant Classification Scheme 2023. Collection method: clinical testing. Allele origin: germline.
Comment: The p.C214Y variant (also known as c.641G>A), located in coding exon 5 of the MECOM gene, results from a G to A substitution at nucleotide position 641. The cysteine at codon 214 is replaced by tyrosine, an amino acid with highly dissimilar properties. This amino acid position is conserved. In addition, this alteration is predicted to be deleterious by in silico analysis. Based on the available evidence, the clinical significance of this variant remains unclear.